The following is an entry in ClinVar:

ClinVar aggregate classification (germline): Benign. Review status: criteria provided, multiple submitters, no conflicts (2 of 4 stars). 3 submissions from 3 submitters: Benign (3). Last evaluated 2018-06-23.

Conditions:
Neurodegeneration with brain iron accumulation 4 (NBIA4). Also called: MITOCHONDRIAL PROTEIN-ASSOCIATED NEURODEGENERATION. Identifiers: Orphanet 289560, MedGen C3280371, MONDO:0013674, OMIM 614298. Disease mechanism: loss of function.

Allele frequency attached by ClinVar (database versions not stated): gnomAD 0.00423 and 0.00533; TOPMed 0.00819; ExAC 0.01444; gnomAD exomes 0.01528; 1000 Genomes Project 30x 0.02155; 1000 Genomes Project 0.02177.
gnomAD v4.1: 7,494 of 1,570,548 alleles (0.48%); highest among the groups gnomAD compares: East Asian, 9.1%; 280 homozygotes.

Submissions (3):

GeneDx
Classification: Benign. Last evaluated: 2018-06-23. Review status: criteria provided, single submitter. Criteria: GeneDx Variant Classification Process June 2021. Collection method: clinical testing. Allele origin: germline. Affected: yes.

Illumina Laboratory Services, Illumina
Classification: Benign for Neurodegeneration with brain iron accumulation 4. Last evaluated: 2018-01-12. Review status: criteria provided, single submitter. Criteria: ICSL Variant Classification Criteria 13 December 2019. Collection method: clinical testing. Allele origin: germline.
Comment: This variant was observed in the ICSL laboratory as part of a predisposition screen in an ostensibly healthy population. It had not been previously curated by ICSL or reported in the Human Gene Mutation Database (HGMD: prior to June 1st, 2018), and was therefore a candidate for classification through an automated scoring system. Utilizing variant allele frequency, disease prevalence and penetrance estimates, and inheritance mode, an automated score was calculated to assess if this variant is too frequent to cause the disease. Based on the score and internal cut-off values, a variant classified as benign is not then subjected to further curation. The score for this variant resulted in a classification of benign for this disease.

Breakthrough Genomics
Classification: Benign. Review status: criteria provided, single submitter. Criteria: ACMG Guidelines, 2015. Collection method: not provided. Allele origin: germline. Inheritance: Autosomal recessive inheritance. Affected: yes.

NM_031448.6(C19orf12):c.*84C>T

Gene: C19orf12 (chromosome 19 open reading frame 12; minus strand). Cytogenetic location: 19q12.
Variant type: single nucleotide variant.
Coding change: c.*84C>T on transcript NM_031448.6 (MANE Select); 84 bases downstream of the stop codon, C replaced by T.
Molecular consequence: 3 prime UTR variant.
Genome position (GRCh38, 1-based): chr19:29,702,628, G>A on the plus strand (C>T on the coding strand, the complement: C19orf12 is on the minus strand). VCF-style: chr19-29702628-G-A. GRCh37 (hg19) VCF-style: chr19-30193535-G-A.
Other names: c.*84C>T (NM_001031726.4, NM_001256047.2, NM_001282929.1 and 2 more transcripts); c.*131C>T (NM_001256046.3).
Identifiers: ClinVar variation 328727 (VCV000328727.7), dbSNP rs117867574, ClinGen allele CA9351836.
Genomic context (GRCh38, chr19:29,702,628, plus strand): 5'-TCTCCAGCGGGACATTACTAGTAATACACTGATGATGTGGAGATTCCCCAGGGGGCATCC[G>A]CTGGGCTTCTCCCAACTCCCAAGCCACCTCTTCAGAATCACAGAGTCATTTAAAGGGGCC-3'